The following is an entry in ClinVar:

ClinVar aggregate classification (germline): Likely benign (0 of 4 stars; one submission).

Conditions:
CTU2-related disorder. Also called: CTU2-related condition.

Allele frequency attached by ClinVar (database versions not stated): TOPMed 0.00076; 1000 Genomes Project 30x 0.00094; 1000 Genomes Project 0.00100.
gnomAD v4.1: 152 of 1,449,456 alleles (0.01%); highest among the groups gnomAD compares: African/African-American, 0.2%; no homozygotes.

Submission:

PreventionGenetics, part of Exact Sciences
Classification: Likely benign for CTU2-related condition. Last evaluated: 2019-07-30. Review status: no assertion criteria provided. Collection method: clinical testing. Allele origin: germline.
Comment: This variant is classified as likely benign based on ACMG/AMP sequence variant interpretation guidelines (Richards et al. 2015 PMID: 25741868, with internal and published modifications).

NM_001012759.3(CTU2):c.-3C>G

Gene: CTU2 (cytosolic thiouridylase subunit 2; plus strand). Cytogenetic location: 16q24.3.
Variant type: single nucleotide variant.
Coding change: c.-3C>G on transcript NM_001012759.3 (MANE Select); 3 bases upstream of the start codon, C replaced by G.
Molecular consequence: 5 prime UTR variant.
Genome position (GRCh38, 1-based): chr16:88,706,528, C>G. VCF-style: chr16-88706528-C-G. GRCh37 (hg19) VCF-style: chr16-88772936-C-G.
Other names: c.-3C>G (NM_001012762.3, NM_001318507.2); c.-185C>G (NM_001318513.2).
Identifiers: ClinVar variation 3035852 (VCV003035852.2), dbSNP rs570424055, ClinGen allele CA8229962.